The following is an entry in ClinVar:

NM_173354.5(SIK1):c.1159G>A (p.Ala387Thr)

Gene: SIK1 (salt inducible kinase 1; minus strand). Cytogenetic location: 21q22.3.
Variant type: single nucleotide variant.
Coding change: c.1159G>A on transcript NM_173354.5 (MANE Select); coding-DNA position 1159, G replaced by A.
Protein change: p.Ala387Thr; replaces alanine 387 with threonine.
Molecular consequence: missense variant.
Genome position (GRCh38, 1-based): chr21:43,419,439, C>T on the plus strand (G>A on the coding strand, the complement: SIK1 is on the minus strand). VCF-style: chr21-43419439-C-T. GRCh37 (hg19) VCF-style: chr21-44839319-C-T.
Other names: short protein forms A387T.
Identifiers: ClinVar variation 1428977 (VCV001428977.6), dbSNP rs2146471466, ClinGen allele CA410608606.

ClinVar aggregate classification (germline): Uncertain significance (1 of 4 stars; one submission).

Conditions:
Developmental and epileptic encephalopathy, 30 (DEE30). Also called: Epileptic encephalopathy, early infantile, 30. Identifiers: MedGen C4225360, MONDO:0014595, OMIM 616341.

Submission:

Labcorp Genetics (formerly Invitae), Labcorp
Classification: Uncertain significance for Developmental and epileptic encephalopathy, 30. Last evaluated: 2025-09-10. Review status: criteria provided, single submitter. Criteria: Invitae Variant Classification Sherloc (09022015). Collection method: clinical testing. Allele origin: germline.
Comment: This sequence change replaces alanine, which is neutral and non-polar, with threonine, which is neutral and polar, at codon 387 of the SIK1 protein (p.Ala387Thr). This variant is not present in population databases (gnomAD no frequency). This variant has not been reported in the literature in individuals affected with SIK1-related conditions. ClinVar contains an entry for this variant (Variation ID: 1428977). Invitae Evidence Modeling of protein sequence and biophysical properties (such as structural, functional, and spatial information, amino acid conservation, physicochemical variation, residue mobility, and thermodynamic stability) indicates that this missense variant is not expected to disrupt SIK1 protein function with a negative predictive value of 95%. In summary, the available evidence is currently insufficient to determine the role of this variant in disease. Therefore, it has been classified as a Variant of Uncertain Significance.